The following is an entry in ClinVar:

ClinVar aggregate classification (germline): Uncertain significance. Review status: criteria provided, multiple submitters, no conflicts (2 of 4 stars). 2 submissions from 2 submitters: Uncertain significance (2). Last evaluated 2025-10-21.

Conditions:
Inborn genetic diseases. Identifiers: MedGen C0950123, MeSH D030342.

Submissions (2):

Labcorp Genetics (formerly Invitae), Labcorp
Classification: Uncertain significance. Last evaluated: 2025-10-21. Review status: criteria provided, single submitter. Criteria: Invitae Variant Classification Sherloc (09022015). Collection method: clinical testing. Allele origin: germline.
Comment: This sequence change replaces methionine, which is neutral and non-polar, with threonine, which is neutral and polar, at codon 754 of the DDR2 protein (p.Met754Thr). This variant is not present in population databases (gnomAD no frequency). This variant has not been reported in the literature in individuals affected with DDR2-related conditions. ClinVar contains an entry for this variant (Variation ID: 2090177). An algorithm developed to predict the effect of missense changes on protein structure and function (PolyPhen-2) suggests that this variant is likely to be disruptive. In summary, the available evidence is currently insufficient to determine the role of this variant in disease. Therefore, it has been classified as a Variant of Uncertain Significance.

Ambry Genetics
Classification: Uncertain significance for Inborn genetic diseases. Last evaluated: 2025-05-24. Review status: criteria provided, single submitter. Criteria: Ambry Variant Classification Scheme 2023. Collection method: clinical testing. Allele origin: germline.

NM_006182.4(DDR2):c.2261T>C (p.Met754Thr)

Gene: DDR2 (discoidin domain receptor tyrosine kinase 2; plus strand). Cytogenetic location: 1q23.3.
Variant type: single nucleotide variant.
Coding change: c.2261T>C on transcript NM_006182.4 (MANE Select); coding-DNA position 2261, T replaced by C.
Protein change: p.Met754Thr; replaces methionine 754 with threonine.
Molecular consequence: missense variant.
Genome position (GRCh38, 1-based): chr1:162,776,348, T>C. VCF-style: chr1-162776348-T-C. GRCh37 (hg19) VCF-style: chr1-162746138-T-C.
Other names: c.2261T>C (NM_006182.2); c.2261T>C, p.Met754Thr (NM_001014796.3, NM_001354982.2, NM_001354983.2); short protein forms M754T.
Identifiers: ClinVar variation 2090177 (VCV002090177.4), dbSNP rs2102199963, ClinGen allele CA343416318.
Genomic context (GRCh38, chr1:162,776,348, plus strand): 5'-ACCTGTACAGTGGTGACTATTACCGGATCCAGGGCCGGGCAGTGCTCCCTATCCGCTGGA[T>C]GTCTTGGGAGAGTATCTTGCTGGTAAGTTCTCAGCATTTTAAAGCCCTGTCTAACAACTG-3'
Protein context (NP_006173.2, residues 744-764): QGRAVLPIRW[Met754Thr]SWESILLGKF